The following is an entry in ClinVar:

NM_024548.4(CEP97):c.520A>G (p.Ile174Val)

Gene: CEP97 (centrosomal protein 97; plus strand). Cytogenetic location: 3q12.3.
Variant type: single nucleotide variant.
Coding change: c.520A>G on transcript NM_024548.4 (MANE Select); coding-DNA position 520, A replaced by G.
Protein change: p.Ile174Val; replaces isoleucine 174 with valine.
Molecular consequence: missense variant.
Genome position (GRCh38, 1-based): chr3:101,731,912, A>G. VCF-style: chr3-101731912-A-G. GRCh37 (hg19) VCF-style: chr3-101450756-A-G.
Other names: c.520A>G, p.Ile174Val (NM_001303401.2); c.418A>G, p.Ile140Val (NM_001410784.1, NM_001410785.1); short protein forms I140V, I174V.
Identifiers: ClinVar variation 1947470 (VCV001947470.5), dbSNP rs767646219, ClinGen allele CA353886277.
Genomic context (GRCh38, chr3:101,731,912, plus strand): 5'-CATGGAAACATCATCACCTCTCTTAGAATGGCACCTGCTTACCTACCCAGAAGTCTTGCT[A>G]TACTTTCTTTGGCAGAAAATGAAATCCGAGACTTAAATGAGGTAAAATTTGAGGGTATTT-3'
Protein context (NP_078824.2, residues 164-184): APAYLPRSLA[Ile174Val]LSLAENEIRD

ClinVar aggregate classification (germline): Uncertain significance (1 of 4 stars; one submission).

Allele frequency attached by ClinVar (database versions not stated): gnomAD 0.00001.
gnomAD v4.1: 14 of 1,610,536 alleles (0.00087%); highest among the groups gnomAD compares: Non-Finnish European, 0.0011%; no homozygotes.

Submission:

Labcorp Genetics (formerly Invitae), Labcorp
Classification: Uncertain significance. Last evaluated: 2022-06-09. Review status: criteria provided, single submitter. Criteria: Invitae Variant Classification Sherloc (09022015). Collection method: clinical testing. Allele origin: germline.
Comment: In summary, the available evidence is currently insufficient to determine the role of this variant in disease. Therefore, it has been classified as a Variant of Uncertain Significance. Algorithms developed to predict the effect of missense changes on protein structure and function output the following: SIFT: "Tolerated"; PolyPhen-2: "Benign"; Align-GVGD: "Class C0". The valine amino acid residue is found in multiple mammalian species, which suggests that this missense change does not adversely affect protein function. This variant has not been reported in the literature in individuals affected with CEP97-related conditions. This variant is present in population databases (no rsID available, gnomAD 0.003%). This sequence change replaces isoleucine, which is neutral and non-polar, with valine, which is neutral and non-polar, at codon 174 of the CEP97 protein (p.Ile174Val).